The following is an entry in ClinVar:

NM_006531.5(IFT88):c.652A>T (p.Asn218Tyr)

Gene: IFT88 (intraflagellar transport 88; plus strand). Cytogenetic location: 13q12.11.
Variant type: single nucleotide variant.
Coding change: c.652A>T on transcript NM_006531.5 (MANE Select); coding-DNA position 652, A replaced by T.
Protein change: p.Asn218Tyr; replaces asparagine 218 with tyrosine.
Molecular consequence: missense variant. On other transcripts: non-coding transcript variant (5).
Genome position (GRCh38, 1-based): chr13:20,598,708, A>T. VCF-style: chr13-20598708-A-T. GRCh37 (hg19) VCF-style: chr13-21172847-A-T.
Other names: c.595A>T, p.Asn199Tyr (NM_001318491.2, NM_001353573.2, NM_001353574.2 and 1 more transcripts); c.679A>T, p.Asn227Tyr (NM_001318493.2, NM_001353565.2, NM_001353566.2 and 6 more transcripts); c.652A>T, p.Asn218Tyr (NM_001353568.2, NM_001353571.2, NM_001353572.2 and 1 more transcripts); c.19A>T, p.Asn7Tyr (NM_001353579.2); short protein forms N199Y, N7Y, N227Y, N218Y.
Identifiers: ClinVar variation 1469334 (VCV001469334.6), dbSNP rs2139018649, ClinGen allele CA387473053.

ClinVar aggregate classification (germline): Uncertain significance (1 of 4 stars; one submission).

Submission:

Labcorp Genetics (formerly Invitae), Labcorp
Classification: Uncertain significance. Last evaluated: 2021-11-23. Review status: criteria provided, single submitter. Criteria: Invitae Variant Classification Sherloc (09022015). Collection method: clinical testing. Allele origin: germline.
Comment: This sequence change replaces asparagine, which is neutral and polar, with tyrosine, which is neutral and polar, at codon 227 of the IFT88 protein (p.Asn227Tyr). In summary, the available evidence is currently insufficient to determine the role of this variant in disease. Therefore, it has been classified as a Variant of Uncertain Significance. Algorithms developed to predict the effect of missense changes on protein structure and function are either unavailable or do not agree on the potential impact of this missense change (SIFT: "Not Available"; PolyPhen-2: "Probably Damaging"; Align-GVGD: "Not Available"). This variant has not been reported in the literature in individuals affected with IFT88-related conditions. This variant is not present in population databases (gnomAD no frequency).